The following is an entry in ClinVar:

NM_030962.4(SBF2):c.1337A>G (p.Asn446Ser)

Gene: SBF2 (SET binding factor 2; minus strand). Cytogenetic location: 11p15.4.
Variant type: single nucleotide variant.
Coding change: c.1337A>G on transcript NM_030962.4 (MANE Select); coding-DNA position 1337, A replaced by G.
Protein change: p.Asn446Ser; replaces asparagine 446 with serine.
Molecular consequence: missense variant.
Genome position (GRCh38, 1-based): chr11:9,989,555, T>C on the plus strand (A>G on the coding strand, the complement: SBF2 is on the minus strand). VCF-style: chr11-9989555-T-C. GRCh37 (hg19) VCF-style: chr11-10011102-T-C.
Other names: c.1337A>G, p.Asn446Ser (NM_001386339.1); c.1208A>G, p.Asn403Ser (NM_001386342.1); short protein forms N446S, N403S.
Identifiers: ClinVar variation 569289 (VCV000569289.9), dbSNP rs762615474, ClinGen allele CA5881857.

ClinVar aggregate classification (germline): Uncertain significance (1 of 4 stars; one submission).

Conditions:
Charcot-Marie-Tooth disease type 4. Also called: Charcot-Marie-Tooth, Type 4; Charcot-Marie-Tooth disease, type IV. Identifiers: Orphanet 64749, MedGen C4082197, MONDO:0018995.

Allele frequency attached by ClinVar (database versions not stated): gnomAD exomes below 0.00001; TOPMed below 0.00001; ExAC 0.00001; gnomAD 0.00001.

Submission:

Labcorp Genetics (formerly Invitae), Labcorp
Classification: Uncertain significance for Charcot-Marie-Tooth disease type 4. Last evaluated: 2018-05-22. Review status: criteria provided, single submitter. Criteria: Invitae Variant Classification Sherloc (09022015). Collection method: clinical testing. Allele origin: germline.
Comment: This variant has not been reported in the literature in individuals with SBF2-related disease. This variant is present in population databases (rs762615474, ExAC 0.006%). This sequence change replaces asparagine with serine at codon 446 of the SBF2 protein (p.Asn446Ser). The asparagine residue is weakly conserved and there is a small physicochemical difference between asparagine and serine. Algorithms developed to predict the effect of missense changes on protein structure and function output the following: SIFT: "Tolerated"; PolyPhen-2: "Benign"; Align-GVGD: "Class C0". The serine amino acid residue is found in multiple mammalian species, suggesting that this missense change does not adversely affect protein function. These predictions have not been confirmed by published functional studies and their clinical significance is uncertain. In summary, the available evidence is currently insufficient to determine the role of this variant in disease. Therefore, it has been classified as a Variant of Uncertain Significance. Algorithms developed to predict the effect of sequence changes on RNA splicing suggest that this variant may create or strengthen a splice site, but this prediction has not been confirmed by published transcriptional studies.